The following is an entry in ClinVar:

ClinVar aggregate classification (germline): Uncertain significance (1 of 4 stars; one submission).

Submission:

Labcorp Genetics (formerly Invitae), Labcorp
Classification: Uncertain significance. Last evaluated: 2022-09-19. Review status: criteria provided, single submitter. Criteria: Invitae Variant Classification Sherloc (09022015). Collection method: clinical testing. Allele origin: germline.
Comment: In summary, the available evidence is currently insufficient to determine the role of this variant in disease. Therefore, it has been classified as a Variant of Uncertain Significance. Advanced modeling of protein sequence and biophysical properties (such as structural, functional, and spatial information, amino acid conservation, physicochemical variation, residue mobility, and thermodynamic stability) performed at Invitae indicates that this missense variant is expected to disrupt EMC1 protein function. ClinVar contains an entry for this variant (Variation ID: 1508190). This variant has not been reported in the literature in individuals affected with EMC1-related conditions. This variant is not present in population databases (gnomAD no frequency). This sequence change replaces glycine, which is neutral and non-polar, with glutamic acid, which is acidic and polar, at codon 712 of the EMC1 protein (p.Gly712Glu).

NM_015047.3(EMC1):c.2135G>A (p.Gly712Glu)

Genes: EMC1 (ER membrane protein complex subunit 1; minus strand), EMC1-AS1 (EMC1 antisense RNA 1; plus strand). Cytogenetic location: 1p36.13.
Variant type: single nucleotide variant.
Coding change: c.2135G>A on transcript NM_015047.3 (MANE Select); coding-DNA position 2135, G replaced by A.
Protein change: p.Gly712Glu; replaces glycine 712 with glutamic acid.
Molecular consequence: missense variant.
Genome position (GRCh38, 1-based): chr1:19,227,380, C>T on the plus strand (G>A on the coding strand, the complement: EMC1 is on the minus strand). VCF-style: chr1-19227380-C-T. GRCh37 (hg19) VCF-style: chr1-19553874-C-T.
Other names: c.2132G>A, p.Gly711Glu (NM_001271427.2, NM_001271428.2); c.2069G>A, p.Gly690Glu (NM_001271429.2); c.2144G>A, p.Gly715Glu (NM_001375820.1); c.2141G>A, p.Gly714Glu (NM_001375821.1); short protein forms G711E, G690E, G712E, G714E, G715E.
Identifiers: ClinVar variation 1508190 (VCV001508190.6), dbSNP rs2151943791, ClinGen allele CA338756812.